The following is an entry in ClinVar:

NM_001069.3(TUBB2A):c.1057G>A (p.Val353Met)

Gene: TUBB2A (tubulin beta 2A class IIa; minus strand). Cytogenetic location: 6p25.2.
Variant type: single nucleotide variant.
Coding change: c.1057G>A on transcript NM_001069.3 (MANE Select); coding-DNA position 1057, G replaced by A.
Protein change: p.Val353Met; replaces valine 353 with methionine.
Molecular consequence: missense variant.
Genome position (GRCh38, 1-based): chr6:3,154,144, C>T on the plus strand (G>A on the coding strand, the complement: TUBB2A is on the minus strand). VCF-style: chr6-3154144-C-T. GRCh37 (hg19) VCF-style: chr6-3154378-C-T.
Other names: c.802G>A, p.Val268Met (NM_001310315.2); short protein forms V268M, V353M.
Identifiers: ClinVar variation 1354853 (VCV001354853.8), dbSNP rs2113785090, ClinGen allele CA362591332.

ClinVar aggregate classification (germline): Uncertain significance (1 of 4 stars; one submission).

Submission:

Labcorp Genetics (formerly Invitae), Labcorp
Classification: Uncertain significance. Last evaluated: 2023-04-18. Review status: criteria provided, single submitter. Criteria: Invitae Variant Classification Sherloc (09022015). Collection method: clinical testing. Allele origin: germline.
Comment: ClinVar contains an entry for this variant (Variation ID: 1354853). In summary, the available evidence is currently insufficient to determine the role of this variant in disease. Therefore, it has been classified as a Variant of Uncertain Significance. Advanced modeling of protein sequence and biophysical properties (such as structural, functional, and spatial information, amino acid conservation, physicochemical variation, residue mobility, and thermodynamic stability) performed at Invitae indicates that this missense variant is not expected to disrupt TUBB2A protein function. This variant has not been reported in the literature in individuals affected with TUBB2A-related conditions. This variant is not present in population databases (gnomAD no frequency). This sequence change replaces valine, which is neutral and non-polar, with methionine, which is neutral and non-polar, at codon 353 of the TUBB2A protein (p.Val353Met).